The following is an entry in ClinVar:

ClinVar aggregate classification (germline): Likely benign. Review status: criteria provided, multiple submitters, no conflicts (2 of 4 stars). 3 submissions from 3 submitters: Likely benign (2). 1 of the submissions does not count toward it. Last evaluated 2024-07-19.

Conditions:
Cardiovascular phenotype. Identifiers: MedGen CN230736.
ZNF469-related disorder. Also called: ZNF469-related condition.

Allele frequency attached by ClinVar (database versions not stated): gnomAD 0.00007; TOPMed 0.00011.
gnomAD v4.1: 43 of 1,549,970 alleles (0.0028%); highest among the groups gnomAD compares: African/African-American, 0.029%; no homozygotes.

Submissions (3):

Labcorp Genetics (formerly Invitae), Labcorp
Classification: Likely benign. Last evaluated: 2024-07-19. Review status: criteria provided, single submitter. Criteria: Invitae Variant Classification Sherloc (09022015). Collection method: clinical testing. Allele origin: germline.

Ambry Genetics
Classification: Likely benign for Cardiovascular phenotype. Last evaluated: 2022-05-15. Review status: criteria provided, single submitter. Criteria: Ambry Variant Classification Scheme 2023. Collection method: clinical testing. Allele origin: germline.

PreventionGenetics, part of Exact Sciences
Classification: Likely benign for ZNF469-related condition. Last evaluated: 2019-11-12. Review status: no assertion criteria provided. Collection method: clinical testing. Allele origin: germline. Not counted in ClinVar's aggregate classification.
Comment: This variant is classified as likely benign based on ACMG/AMP sequence variant interpretation guidelines (Richards et al. 2015 PMID: 25741868, with internal and published modifications).

NM_001367624.2(ZNF469):c.8427G>A (p.Pro2809=)

Gene: ZNF469 (zinc finger protein 469; plus strand). Cytogenetic location: 16q24.2.
Variant type: single nucleotide variant.
Coding change: c.8427G>A on transcript NM_001367624.2 (MANE Select); coding-DNA position 8427, G replaced by A.
Protein change: p.Pro2809=; no amino-acid change (proline 2809 retained).
Molecular consequence: synonymous variant.
Genome position (GRCh38, 1-based): chr16:88,435,897, G>A. VCF-style: chr16-88435897-G-A. GRCh37 (hg19) VCF-style: chr16-88502305-G-A.
Other names: NM_001127464.1:c.8343G>A; NM_001127464.2:c.8343G>A.
Identifiers: ClinVar variation 1763006 (VCV001763006.9), dbSNP rs922687162, ClinGen allele CA286384068.
Genomic context (GRCh38, chr16:88,435,897, plus strand): 5'-CTGGGAGGAGAACACGCCCCCCTTGGGCCCCCTGGGTTTTCCCGAGACTTCCAGCTCTCC[G>A]GCGGACAGCACCACCAGCAGCTGCCTCCAGGGCCTCCCGGACAACCCAGACACCCAGGGT-3'
Protein context (NP_001354553.1, residues 2799-2819): PLGFPETSSS[Pro2809=]ADSTTSSCLQ